The following is an entry in ClinVar:

ClinVar aggregate classification (germline): Pathogenic (1 of 4 stars; one submission).

Conditions:
Isolated microphthalmia 2. Identifiers: Orphanet 2542, MedGen C1864720, MONDO:0012409, OMIM 610093.

Submission:

Labcorp Genetics (formerly Invitae), Labcorp
Classification: Pathogenic for Isolated microphthalmia 2. Last evaluated: 2023-09-28. Review status: criteria provided, single submitter. Criteria: Invitae Variant Classification Sherloc (09022015). Collection method: clinical testing. Allele origin: germline.
Comment: This sequence change creates a premature translational stop signal (p.Arg212Glyfs*90) in the VSX2 gene. While this is not anticipated to result in nonsense mediated decay, it is expected to disrupt the last 150 amino acid(s) of the VSX2 protein. This variant is not present in population databases (gnomAD no frequency). This variant has not been reported in the literature in individuals affected with VSX2-related conditions. This variant disrupts a region of the VSX2 protein in which other variant(s) (p.Arg227Trp) have been determined to be pathogenic (PMID: 15257456, 20414678). This suggests that this is a clinically significant region of the protein, and that variants that disrupt it are likely to be disease-causing. For these reasons, this variant has been classified as Pathogenic.

Literature cited by the submitters: PubMed 15257456; PubMed 20414678.

NM_182894.3(VSX2):c.634del (p.Arg212fs)

Gene: VSX2 (visual system homeobox 2; plus strand). Cytogenetic location: 14q24.3.
Variant type: Deletion.
Coding change: c.634del on transcript NM_182894.3 (MANE Select); coding-DNA position 634, one base deleted (C; older notation c.634delC).
Protein change: p.Arg212fs; shifts the reading frame from arginine 212.
Molecular consequence: frameshift variant.
Genome position (GRCh38, 1-based): chr14:74,259,656, C deleted; the last of 2 consecutive C bases (chr14:74,259,655-74,259,656); deleting either gives the same sequence. VCF-style (leftmost placement, unchanged base first): chr14-74259654-GC-G. GRCh37 (hg19) VCF-style: chr14-74726357-GC-G.
Other names: short protein forms R212fs.
Identifiers: ClinVar variation 2764044 (VCV002764044.3), dbSNP rs2504973144, ClinGen allele CA2695219547.
Genomic context (GRCh38, chr14:74,259,654, plus strand): 5'-ACCTGCAGGTCTGGTTCCAGAACCGTCGAGCCAAGTGGAGGAAGCGGGAGAAGTGCTGGG[GC>G]CGGAGCAGTGTCATGGCGGAGTATGGGCTCTACGGGGCCATGGTGCGGCACTCCATCCCC-3'